The following is an entry in ClinVar:

NM_000236.3(LIPC):c.1418A>T (p.Asp473Val)

Gene: LIPC (lipase C, hepatic type; plus strand). Cytogenetic location: 15q21.3.
Variant type: single nucleotide variant.
Coding change: c.1418A>T on transcript NM_000236.3 (MANE Select); coding-DNA position 1418, A replaced by T.
Protein change: p.Asp473Val; replaces aspartic acid 473 with valine.
Molecular consequence: missense variant.
Genome position (GRCh38, 1-based): chr15:58,568,745, A>T. VCF-style: chr15-58568745-A-T. GRCh37 (hg19) VCF-style: chr15-58860944-A-T.
Other names: short protein forms D473V.
Identifiers: ClinVar variation 2645381 (VCV002645381.26), dbSNP rs777086720, ClinGen allele CA7585253.
Genomic context (GRCh38, chr15:58,568,745, plus strand): 5'-ATGCTGTGTTTGCTTCCTGTTTTCTATTCAGAATGACATTTTGTTCAGAAAACACAGATG[A>T]CCTACTACTTCGCCCAACCCAGGAAAAAATCTTCGTGAAATGTGAAATAAAGTCTAAAAC-3'
Protein context (NP_000227.2, residues 463-483): RMTFCSENTD[Asp473Val]LLLRPTQEKI

ClinVar aggregate classification (germline): Uncertain significance. Review status: criteria provided, multiple submitters, no conflicts (2 of 4 stars). 2 submissions from 2 submitters: Uncertain significance (2). Last evaluated 2024-04-25.

Allele frequency attached by ClinVar (database versions not stated): ExAC 0.00001; gnomAD exomes 0.00001; TOPMed 0.00001.
gnomAD v4.1: 8 of 1,609,770 alleles (0.0005%); highest among the groups gnomAD compares: Non-Finnish European, 0.0006%; no homozygotes.

Submissions (2):

Labcorp Genetics (formerly Invitae), Labcorp
Classification: Uncertain significance. Last evaluated: 2024-04-25. Review status: criteria provided, single submitter. Criteria: Invitae Variant Classification Sherloc (09022015). Collection method: clinical testing. Allele origin: germline.
Comment: This sequence change replaces aspartic acid, which is acidic and polar, with valine, which is neutral and non-polar, at codon 473 of the LIPC protein (p.Asp473Val). This variant is present in population databases (rs777086720, gnomAD 0.002%). This variant has not been reported in the literature in individuals affected with LIPC-related conditions. ClinVar contains an entry for this variant (Variation ID: 2645381). An algorithm developed to predict the effect of missense changes on protein structure and function (PolyPhen-2) suggests that this variant is likely to be disruptive. In summary, the available evidence is currently insufficient to determine the role of this variant in disease. Therefore, it has been classified as a Variant of Uncertain Significance.

CeGaT Center for Human Genetics Tuebingen
Classification: Uncertain significance. Last evaluated: 2023-02-01. Review status: criteria provided, single submitter. Criteria: CeGaT Center For Human Genetics Tuebingen Variant Classification Criteria Version 2. Collection method: clinical testing. Allele origin: germline. Affected: yes. Observed: 1 variant allele.
Comment: LIPC: PM2, BP4